The following is an entry in ClinVar:

NM_000321.3(RB1):c.1546T>C (p.Trp516Arg)

Gene: RB1 (RB transcriptional corepressor 1; plus strand). Cytogenetic location: 13q14.2.
Variant type: single nucleotide variant.
Coding change: c.1546T>C on transcript NM_000321.3 (MANE Select); coding-DNA position 1546, T replaced by C.
Protein change: p.Trp516Arg; replaces tryptophan 516 with arginine.
Molecular consequence: missense variant.
Genome position (GRCh38, 1-based): chr13:48,381,294, T>C. VCF-style: chr13-48381294-T-C. GRCh37 (hg19) VCF-style: chr13-48955430-T-C.
Other names: short protein forms W516R.
Identifiers: ClinVar variation 939631 (VCV000939631.11), dbSNP rs138201027, ClinGen allele CA388163452.
Genomic context (GRCh38, chr13:48,381,294, plus strand): 5'-TTTTCATTTTTAGGAAGTACATCTCAGAATCTTGATTCTGGAACAGATTTGTCTTTCCCA[T>C]GGATTCTGAATGTGCTTAATTTAAAAGCCTTTGATTTTTACAAAGTGATCGAAAGTTTTA-3'
Protein context (NP_000312.2, residues 506-526): LDSGTDLSFP[Trp516Arg]ILNVLNLKAF

ClinVar aggregate classification (germline): Uncertain significance. Review status: criteria provided, multiple submitters, no conflicts (2 of 4 stars). 3 submissions from 3 submitters: Uncertain significance (3). Last evaluated 2025-09-24.

Conditions:
Retinoblastoma (RB1). Also called: RETINOBLASTOMA, SOMATIC. Identifiers: Orphanet 790, MedGen C0035335, MeSH D012175, MONDO:0008380, OMIM 180200, HP:0009919. Disease mechanism: loss of function. Inheritance: Both sporadic and heritable forms are tested..
Hereditary cancer-predisposing syndrome. Also called: Hereditary neoplastic syndrome; Hereditary Cancer Syndrome; Neoplastic Syndromes, Hereditary; Tumor predisposition. Identifiers: Orphanet 140162, MedGen C0027672, MeSH D009386, MONDO:0015356.

Allele frequency attached by ClinVar (database versions not stated): gnomAD exomes 0.00001.
gnomAD v4.1: 8 of 1,612,480 alleles (0.0005%); highest among the groups gnomAD compares: Non-Finnish European, 0.00059%; no homozygotes.

Submissions (3):

Ambry Genetics
Classification: Uncertain significance for Hereditary cancer-predisposing syndrome. Last evaluated: 2025-09-24. Review status: criteria provided, single submitter. Criteria: Ambry Variant Classification Scheme 2023. Collection method: clinical testing. Allele origin: germline.
Comment: The p.W516R variant (also known as c.1546T>C), located in coding exon 17 of the RB1 gene, results from a T to C substitution at nucleotide position 1546. The tryptophan at codon 516 is replaced by arginine, an amino acid with dissimilar properties. This amino acid position is highly conserved in available vertebrate species. In addition, this alteration is predicted to be deleterious by in silico analysis. Based on the available evidence, the clinical significance of this variant remains unclear.

Labcorp Genetics (formerly Invitae), Labcorp
Classification: Uncertain significance for Retinoblastoma. Last evaluated: 2025-02-26. Review status: criteria provided, single submitter. Criteria: Invitae Variant Classification Sherloc (09022015). Collection method: clinical testing. Allele origin: germline.
Comment: This sequence change replaces tryptophan, which is neutral and slightly polar, with arginine, which is basic and polar, at codon 516 of the RB1 protein (p.Trp516Arg). This variant is not present in population databases (gnomAD no frequency). This variant has not been reported in the literature in individuals affected with RB1-related conditions. ClinVar contains an entry for this variant (Variation ID: 939631). Invitae Evidence Modeling of protein sequence and biophysical properties (such as structural, functional, and spatial information, amino acid conservation, physicochemical variation, residue mobility, and thermodynamic stability) indicates that this missense variant is expected to disrupt RB1 protein function with a positive predictive value of 80%. In summary, the available evidence is currently insufficient to determine the role of this variant in disease. Therefore, it has been classified as a Variant of Uncertain Significance.

Blueprint Genetics
Classification: Uncertain significance. Last evaluated: 2022-08-05. Review status: criteria provided, single submitter. Criteria: ACMG Guidelines, 2015. Collection method: clinical testing. Allele origin: germline.